The following is an entry in ClinVar:

ClinVar aggregate classification (germline): Uncertain significance (1 of 4 stars; one submission).

Conditions:
Hereditary cancer-predisposing syndrome. Also called: Tumor predisposition; Hereditary Cancer Syndrome; Neoplastic Syndromes, Hereditary; Hereditary neoplastic syndrome. Identifiers: Orphanet 140162, MedGen C0027672, MeSH D009386, MONDO:0015356.

Submission:

Molecular Diagnostics Laboratory, Catalan Institute of Oncology
Classification: Uncertain significance for Hereditary cancer-predisposing syndrome. Last evaluated: 2024-10-30. Review status: criteria provided, single submitter. Criteria: ACMG Guidelines, 2015. Collection method: clinical testing. Allele origin: germline.
Comment: PM2_Supporting, PP3 c.79A>G, located in exon 1 of the RAD51D gene, is predicted to result in the substitution of threonine by alanine at codon 27, p.(Thr27Ala). This variant is not present in the population database gnomAD v2.1.1, non cancer dataset (PM2_supporting). The SpliceAI algorithm predicts the creation of a novel splice acceptor site 4 bp upstream (score: 0.8, being the natural splice site reduced to score=0.71), probably causing the loss of four nucleotides of the exon 1 resulting in a frameshift protein (PP3). However, if this missense variant were translated, the REVEL meta-predictor score for this missense variant (0.18) suggests that it would not affect the protein function according Pejaver 2022 thresholds (PMID: 36413997). To our knowledge, functional studies have not been reported for this variant. Also, this variant has not been reported neither in ClinVar nor in LOVD databases. Based on currently available information, the variant c.79A>G is classified as an uncertain significance variant according to ACMG guidelines.

NM_002878.4(RAD51D):c.79A>G (p.Thr27Ala)

Genes: RAD51D (RAD51 paralog D; minus strand), RAD51L3-RFFL (RAD51L3-RFFL readthrough; minus strand). Cytogenetic location: 17q12.
Variant type: single nucleotide variant.
Coding change: c.79A>G on transcript NM_002878.4 (MANE Select); coding-DNA position 79, A replaced by G.
Protein change: p.Thr27Ala; replaces threonine 27 with alanine.
Molecular consequence: missense variant. On other transcripts: non-coding transcript variant (2).
Genome position (GRCh38, 1-based): chr17:35,119,535, T>C on the plus strand (A>G on the coding strand, the complement: RAD51D is on the minus strand). VCF-style: chr17-35119535-T-C. GRCh37 (hg19) VCF-style: chr17-33446554-T-C.
Other names: c.79A>G, p.Thr27Ala (NM_001142571.2, NM_133629.3); short protein forms T27A.
Identifiers: ClinVar variation 3774476 (VCV003774476.1).